The following is an entry in ClinVar:

NM_002524.5(NRAS):c.101C>T (p.Pro34Leu)

Gene: NRAS (NRAS proto-oncogene, GTPase; minus strand). Cytogenetic location: 1p13.2.
Variant type: single nucleotide variant.
Coding change: c.101C>T on transcript NM_002524.5 (MANE Select); coding-DNA position 101, C replaced by T.
Protein change: p.Pro34Leu; replaces proline 34 with leucine.
Molecular consequence: missense variant.
Genome position (GRCh38, 1-based): chr1:114,716,060, G>A on the plus strand (C>T on the coding strand, the complement: NRAS is on the minus strand). VCF-style: chr1-114716060-G-A. GRCh37 (hg19) VCF-style: chr1-115258681-G-A.
Other names: short protein forms P34L.
Identifiers: ClinVar variation 39647 (VCV000039647.4), dbSNP rs397514553, ClinGen allele CA130423.

ClinVar aggregate classification (germline): Pathogenic. Review status: no assertion criteria provided (0 of 4 stars). 2 submissions from 2 submitters: Pathogenic (1). 1 of the submissions does not count toward it. Last evaluated 2012-04-01.
ClinVar aggregate classification (oncogenicity): Oncogenic (1 of 4 stars; one submission).

Conditions:
Epidermal nevus. Also called: NEVUS, KERATINOCYTIC, NONEPIDERMOLYTIC; Nevus, epidermal, somatic. Identifiers: Orphanet 79414, MedGen C0334082, MONDO:0008093, OMIM 162900, HP:0010816.
Noonan syndrome 1 (NS1). Also called: TURNER PHENOTYPE WITH NORMAL KARYOTYPE; FEMALE PSEUDO-TURNER SYNDROME; PTPN11-Related Noonan Syndrome. Identifiers: Orphanet 648, MedGen C4551602, MONDO:0008104, OMIM 163950. Disease mechanism: gain of function.
Acute myeloid leukemia (AML). Also called: Acute myeloid leukemia, adult; AML adult; Acute non-lymphocytic leukemia; Acute granulocytic leukemia; Leukemia, acute myeloid, somatic; Leukemia, acute myelogenous, somatic. Identifiers: Orphanet 519, MedGen C0023467, MeSH D015470, MONDO:0018874, OMIM 601626, HP:0004808. Disease mechanism: Constitutively activated FLT3.

Submissions (3):

Microbiology and Molecular Biology Lab, Lahore College for Women University
Classification: Oncogenic for Acute myeloid leukemia. Last evaluated: 2025-10-12. Review status: criteria provided, single submitter. Criteria: Assertion Criteria 1.0. Collection method: research. Allele origin: somatic. Affected: yes.
Comment: NRAS Transcript: NM_002524.5 cDNA Change: c.101C>T Protein Change: p.P34L Mutation Type: Missense synonymous mutation in exon 2, within the GTPase domain and responsible to encode P-loop Genomic Location (GRCh38): chr1:114,716,060C>T Oncogenicity: Oncogenic NRAS c.101C>T (p.P34L) is an oncogenic, somatic mutation which is not previously reported in databases such as COSMIC and ClinVar. No approved NRAS-targeted therapies currently exist for this mutation. It may influence prognosis and inform eligibility for clinical trials targeting downstream pathways

OMIM
Classification: Pathogenic for EPIDERMAL NEVUS, SOMATIC. Last evaluated: 2012-04-01. Review status: no assertion criteria provided. Collection method: literature only. Allele origin: somatic.

GeneReviews
No classification provided. Condition: Noonan syndrome 1. Review status: no classification provided. Collection method: literature only. Allele origin: germline. Affected: yes. Not counted in ClinVar's aggregate classification.

Literature cited by the submitters: PubMed 22499344 (cited by OMIM); NCBI Bookshelf NBK1124 (cited by GeneReviews).